The following is an entry in ClinVar:

ClinVar aggregate classification (germline): Uncertain significance (1 of 4 stars; one submission).

Submission:

Ambry Genetics
Classification: Uncertain significance. Last evaluated: 2022-11-24. Review status: criteria provided, single submitter. Criteria: Ambry Variant Classification Scheme 2023. Collection method: clinical testing. Allele origin: germline.
Comment: The p.Q638P variant (also known as c.1913A>C), located in coding exon 18 of the PRKDC gene, results from an A to C substitution at nucleotide position 1913. The glutamine at codon 638 is replaced by proline, an amino acid with similar properties. This amino acid position is conserved. In addition, this alteration is predicted to be tolerated by in silico analysis. Since supporting evidence is limited at this time, the clinical significance of this alteration remains unclear.

NM_006904.7(PRKDC):c.1913A>C (p.Gln638Pro)

Gene: PRKDC (protein kinase, DNA-activated, catalytic subunit; minus strand). Cytogenetic location: 8q11.21.
Variant type: single nucleotide variant.
Coding change: c.1913A>C on transcript NM_006904.7 (MANE Select); coding-DNA position 1913, A replaced by C.
Protein change: p.Gln638Pro; replaces glutamine 638 with proline.
Molecular consequence: missense variant.
Genome position (GRCh38, 1-based): chr8:47,929,992, T>G on the plus strand (A>C on the coding strand, the complement: PRKDC is on the minus strand). VCF-style: chr8-47929992-T-G. GRCh37 (hg19) VCF-style: chr8-48842552-T-G.
Other names: c.1913A>C, p.Gln638Pro (NM_001081640.2); short protein forms Q638P.
Identifiers: ClinVar variation 2453330 (VCV002453330.2), dbSNP rs2551878642, ClinGen allele CA371164421.